The following is an entry in ClinVar:

ClinVar aggregate classification (germline): Uncertain significance (1 of 4 stars; one submission).

Conditions:
Cardiomyopathy (CMYO). Also called: Cardiomyopathies. Identifiers: Orphanet 167848, MedGen C0878544, MONDO:0004994, HP:0001638. Inheritance: Various modes of inheritance.

Submission:

Color Diagnostics, LLC DBA Color Health
Classification: Uncertain significance for Cardiomyopathy. Last evaluated: 2024-03-06. Review status: criteria provided, single submitter. Criteria: ACMG Guidelines, 2015. Collection method: clinical testing. Allele origin: germline.
Comment: This missense variant replaces methionine with threonine at codon 351 of the DSP protein. Computational prediction suggests that this variant may have deleterious impact on protein structure and function (internally defined REVEL score threshold >= 0.7, PMID: 27666373). To our knowledge, functional studies have not been reported for this variant. This variant has not been reported in individuals affected with cardiovascular disorders in the literature. This variant has not been identified in the general population by the Genome Aggregation Database (gnomAD). The available evidence is insufficient to determine the role of this variant in disease conclusively. Therefore, this variant is classified as a Variant of Uncertain Significance.

NM_004415.4(DSP):c.1052T>C (p.Met351Thr)

Gene: DSP (desmoplakin; plus strand). Cytogenetic location: 6p24.3.
Variant type: single nucleotide variant.
Coding change: c.1052T>C on transcript NM_004415.4 (MANE Select); coding-DNA position 1052, T replaced by C.
Protein change: p.Met351Thr; replaces methionine 351 with threonine.
Molecular consequence: missense variant.
Genome position (GRCh38, 1-based): chr6:7,567,361, T>C. VCF-style: chr6-7567361-T-C. GRCh37 (hg19) VCF-style: chr6-7567594-T-C.
Other names: c.1052T>C, p.Met351Thr (NM_001008844.3, NM_001319034.2); short protein forms M351T.
Identifiers: ClinVar variation 1171859 (VCV001171859.3), dbSNP rs2113672417, ClinGen allele CA362675468.
Genomic context (GRCh38, chr6:7,567,361, plus strand): 5'-ATGCATCTGTACAACTGAGCTAGGCTAAGACAGCTGACATTTTCTTGTTTCAGGCCTATA[T>C]GGACACTCTGCAGACGCAGTGGAGTTGGATTCTTCAGATCACCAAGTGCATTGATGTTCA-3'
Protein context (NP_004406.2, residues 341-361): HPASDKIEAY[Met351Thr]DTLQTQWSWI